The following is an entry in ClinVar:

ClinVar aggregate classification (germline): Uncertain significance. Review status: criteria provided, multiple submitters, no conflicts (2 of 4 stars). 2 submissions from 2 submitters: Uncertain significance (2). Last evaluated 2025-08-03.

Conditions:
Inborn genetic diseases. Identifiers: MedGen C0950123, MeSH D030342.

Allele frequency attached by ClinVar (database versions not stated): gnomAD exomes 0.00002 and 0.00009; ExAC 0.00008; ESP Exome Variant Server 0.00023; TOPMed 0.00029; gnomAD 0.00034; 1000 Genomes Project 0.00080; 1000 Genomes Project 30x 0.00094.
gnomAD v4.1: 93 of 1,614,058 alleles (0.0058%); highest among the groups gnomAD compares: African/African-American, 0.1%; no homozygotes.

Submissions (2):

Ambry Genetics
Classification: Uncertain significance for Inborn genetic diseases. Last evaluated: 2025-08-03. Review status: criteria provided, single submitter. Criteria: Ambry Variant Classification Scheme 2023. Collection method: clinical testing. Allele origin: germline.

Labcorp Genetics (formerly Invitae), Labcorp
Classification: Uncertain significance. Last evaluated: 2022-08-16. Review status: criteria provided, single submitter. Criteria: Invitae Variant Classification Sherloc (09022015). Collection method: clinical testing. Allele origin: germline.
Comment: This sequence change replaces leucine, which is neutral and non-polar, with proline, which is neutral and non-polar, at codon 359 of the DLL3 protein (p.Leu359Pro). This variant is present in population databases (rs139372003, gnomAD 0.1%). This variant has not been reported in the literature in individuals affected with DLL3-related conditions. ClinVar contains an entry for this variant (Variation ID: 1044198). Algorithms developed to predict the effect of missense changes on protein structure and function are either unavailable or do not agree on the potential impact of this missense change (SIFT: "Deleterious"; PolyPhen-2: "Probably Damaging"; Align-GVGD: "Class C0"). In summary, the available evidence is currently insufficient to determine the role of this variant in disease. Therefore, it has been classified as a Variant of Uncertain Significance.

NM_203486.3(DLL3):c.1076T>C (p.Leu359Pro)

Gene: DLL3 (delta like canonical Notch ligand 3; plus strand). Cytogenetic location: 19q13.2.
Variant type: single nucleotide variant.
Coding change: c.1076T>C on transcript NM_203486.3 (MANE Select); coding-DNA position 1076, T replaced by C.
Protein change: p.Leu359Pro; replaces leucine 359 with proline.
Molecular consequence: missense variant.
Genome position (GRCh38, 1-based): chr19:39,505,434, T>C. VCF-style: chr19-39505434-T-C. GRCh37 (hg19) VCF-style: chr19-39996074-T-C.
Other names: c.1076T>C, p.Leu359Pro (NM_016941.4); c.1076T>C (NM_016941.3); short protein forms L359P.
Identifiers: ClinVar variation 1044198 (VCV001044198.3), dbSNP rs139372003, ClinGen allele CA9432345.
Genomic context (GRCh38, chr19:39,505,434, plus strand): 5'-GCCACTGCCCACCCGGTTTCCAAGGCTCCAACTGTGAGAAGAGGGTGGACCGGTGCAGCC[T>C]GCAGCCATGCCGCAATGGTGAGGCCTGGAGGCCTGAACGGCGAGGGATGGGGTGGGGGTC-3'
Protein context (NP_982353.1, residues 349-369): NCEKRVDRCS[Leu359Pro]QPCRNGGLCL